The following is an entry in ClinVar:

NM_006206.6(PDGFRA):c.629-11C>T

Gene: PDGFRA (platelet derived growth factor receptor alpha; plus strand). Cytogenetic location: 4q12.
Variant type: single nucleotide variant.
Coding change: c.629-11C>T on transcript NM_006206.6 (MANE Select); 11 bases into the intron before coding-DNA position 629, C replaced by T.
Molecular consequence: intron variant.
Genome position (GRCh38, 1-based): chr4:54,264,908, C>T. VCF-style: chr4-54264908-C-T. GRCh37 (hg19) VCF-style: chr4-55131075-C-T.
Other names: c.704-11C>T (NM_001347828.2); c.629-11C>T (NM_001347827.2, NM_001347829.2); c.668-11C>T (NM_001347830.2).
Identifiers: ClinVar variation 1942616 (VCV001942616.6), dbSNP rs768478426, ClinGen allele CA2922345.

ClinVar aggregate classification (germline): Likely benign. Review status: criteria provided, multiple submitters, no conflicts (2 of 4 stars). 2 submissions from 2 submitters: Likely benign (2). Last evaluated 2026-06-12.

Conditions:
Gastrointestinal stromal tumor. Also called: Gastrointestinal stromal tumor, somatic; Gastrointestinal stroma tumor. Identifiers: Orphanet 44890, MedGen C0238198, MeSH D046152, MONDO:0011719, OMIM 606764, HP:0100723.
Polyps, multiple and recurrent inflammatory fibroid, gastrointestinal. Identifiers: MedGen C5193005, MONDO:0008285, OMIM 175510.

Allele frequency attached by ClinVar (database versions not stated): ExAC 0.00001.

Submissions (2):

Myriad Genetics, Inc.
Classification: Likely benign for Polyps, multiple and recurrent inflammatory fibroid, gastrointestinal. Last evaluated: 2026-06-12. Review status: criteria provided, single submitter. Criteria: Myriad Autosomal Dominant, Autosomal Recessive and X-Linked Classification Criteria (2023). Collection method: clinical testing. Allele origin: unknown.
Comment: This variant is considered likely benign. This variant is intronic and is not expected to impact mRNA splicing.

Labcorp Genetics (formerly Invitae), Labcorp
Classification: Likely benign for Gastrointestinal stromal tumor. Last evaluated: 2025-08-18. Review status: criteria provided, single submitter. Criteria: Invitae Variant Classification Sherloc (09022015). Collection method: clinical testing. Allele origin: germline.